The following is an entry in ClinVar:

ClinVar aggregate classification (germline): Likely benign. Review status: criteria provided, multiple submitters, no conflicts (2 of 4 stars). 3 submissions from 3 submitters: Likely benign (2). 1 of the submissions does not count toward it. Last evaluated 2025-12-29.

Conditions:
MHC class II deficiency. Also called: Bare lymphocyte syndrome 2; BLS, TYPE II. Identifiers: Orphanet 572, MedGen C5447452, MONDO:0008855.
CIITA-related disorder. Also called: CIITA-related condition.

Submissions (3):

Labcorp Genetics (formerly Invitae), Labcorp
Classification: Likely benign for MHC class II deficiency. Last evaluated: 2025-12-29. Review status: criteria provided, single submitter. Criteria: Invitae Variant Classification Sherloc (09022015). Collection method: clinical testing. Allele origin: germline.

Blueprint Genetics
Classification: Likely benign. Last evaluated: 2023-09-26. Review status: criteria provided, single submitter. Criteria: ACMG Guidelines, 2015. Collection method: clinical testing. Allele origin: germline.

PreventionGenetics, part of Exact Sciences
Classification: Likely benign for CIITA-related condition. Last evaluated: 2020-11-23. Review status: no assertion criteria provided. Collection method: clinical testing. Allele origin: germline. Not counted in ClinVar's aggregate classification.
Comment: This variant is classified as likely benign based on ACMG/AMP sequence variant interpretation guidelines (Richards et al. 2015 PMID: 25741868, with internal and published modifications).

NM_000246.4(CIITA):c.3318-14_3318-8dup

Gene: CIITA (class II major histocompatibility complex transactivator; plus strand). Cytogenetic location: 16p13.13.
Variant type: Duplication.
Coding change: c.3318-14_3318-8dup on transcript NM_000246.4 (MANE Select); 14 bases into the intron before coding-DNA position 3318 through 8 bases into the intron before coding-DNA position 3318, 7 bases duplicated (ATCCCCC; older notation c.3318-14_3318-8dupATCCCCC).
Molecular consequence: intron variant.
Genome position (GRCh38, 1-based): chr16:10,923,214-10,923,220, ATCCCCC duplicated; duplicating any 7 consecutive bases within chr16:10,923,211-10,923,220 gives the same sequence; the c. name uses the placement nearest the transcript's 3' end. VCF-style (leftmost placement, unchanged base first): chr16-10923210-T-TCCCATCC. GRCh37 (hg19) VCF-style: chr16-11017067-T-TCCCATCC.
Other names: c.3321-14_3321-8dup (NM_001286402.1, NM_001379332.1); c.3174-14_3174-8dup (NM_001379330.1); c.3318-14_3318-8dup (NM_001379333.1); c.3171-14_3171-8dup (NM_001379331.1); c.1566-14_1566-8dup (NM_001286403.2); c.3249-14_3249-8dup (NM_001379334.1); c.3318-14_3318-8dup7 (NM_000246.3).
Identifiers: ClinVar variation 1570884 (VCV001570884.11), dbSNP rs757458555, ClinGen allele CA7900787.